The following is an entry in ClinVar:

ClinVar aggregate classification (germline): Uncertain significance (1 of 4 stars; one submission).

Conditions:
Deficiency of adenosine deaminase 2. Also called: Adenosine Deaminase 2 Deficiency; VASCULITIS, AUTOINFLAMMATION, IMMUNODEFICIENCY, AND HEMATOLOGIC DEFECTS SYNDROME; Polyarteritis nodosa, childhoood-onset. Identifiers: Orphanet 404553, MedGen C3887654, MONDO:0014306, OMIM 615688, MONDO:0100317.

Submission:

Labcorp Genetics (formerly Invitae), Labcorp
Classification: Uncertain significance for Deficiency of adenosine deaminase 2. Last evaluated: 2025-09-09. Review status: criteria provided, single submitter. Criteria: Invitae Variant Classification Sherloc (09022015). Collection method: clinical testing. Allele origin: germline.
Comment: This sequence change falls in intron 9 of the ADA2 gene. It does not directly change the encoded amino acid sequence of the ADA2 protein. It affects a nucleotide within the consensus splice site. This variant is not present in population databases (gnomAD no frequency). This variant has not been reported in the literature in individuals affected with ADA2-related conditions. Variants that disrupt the consensus splice site are a relatively common cause of aberrant splicing (PMID: 17576681, 9536098). Algorithms developed to predict the effect of sequence changes on RNA splicing suggest that this variant is not likely to affect RNA splicing. In summary, the available evidence is currently insufficient to determine the role of this variant in disease. Therefore, it has been classified as a Variant of Uncertain Significance.

Literature cited by the submitters: PubMed 17576681; PubMed 9536098.

NM_001282225.2(ADA2):c.1443-3C>T

Gene: ADA2 (adenosine deaminase 2; minus strand). Cytogenetic location: 22q11.1.
Variant type: single nucleotide variant.
Coding change: c.1443-3C>T on transcript NM_001282225.2 (MANE Select); 3 bases into the intron before coding-DNA position 1443, C replaced by T.
Molecular consequence: intron variant.
Genome position (GRCh38, 1-based): chr22:17,181,579, G>A on the plus strand (C>T on the coding strand, the complement: ADA2 is on the minus strand). VCF-style: chr22-17181579-G-A. GRCh37 (hg19) VCF-style: chr22-17662469-G-A.
Other names: c.1317-3C>T (NM_001282227.2, NM_001282228.2); c.1083-3C>T (NM_001282229.2); c.1443-3C>T (NM_001282226.2); c.720-3C>T (NM_177405.3).
Identifiers: ClinVar variation 4725681 (VCV004725681.1).
Genomic context (GRCh38, chr22:17,181,579, plus strand): 5'-TCTCTTCTTCCAGATTTCCATGAAAGTATTTTTCTCACTCTCCAACAGGGTACTGTACCT[G>A]CAGGAAGAGGAGGAGCCCAGGTCAGCCTCAGGGCAGGGGTTGGGGAACGGGGCAGGGAGC-3'